The following is an entry in ClinVar:

NM_000081.4(LYST):c.9315G>A (p.Lys3105=)

Gene: LYST (lysosomal trafficking regulator; minus strand). Cytogenetic location: 1q42.3.
Variant type: single nucleotide variant.
Coding change: c.9315G>A on transcript NM_000081.4 (MANE Select); coding-DNA position 9315, G replaced by A.
Protein change: p.Lys3105=; no amino-acid change (lysine 3105 retained).
Molecular consequence: synonymous variant.
Genome position (GRCh38, 1-based): chr1:235,724,028, C>T on the plus strand (G>A on the coding strand, the complement: LYST is on the minus strand). VCF-style: chr1-235724028-C-T. GRCh37 (hg19) VCF-style: chr1-235887328-C-T.
Other names: c.9315G>A, p.Lys3105= (NM_001301365.1).
Identifiers: ClinVar variation 4687840 (VCV004687840.1).
Genomic context (GRCh38, chr1:235,724,028, plus strand): 5'-TAGTTACAGTGGCCCATGAGCACTTAAACAATATATATCAATTAATAAGGGTGAATTTAC[C>T]TTGGTGTTATCAAATGCCAACAGGAGTGTTCTGCCATTTGTTAGAAAGATTTCTACAGCA-3'
Protein context (NP_000072.2, residues 3095-3115): RTLLLAFDNT[Lys3105=]VRDDVYHNIL

ClinVar aggregate classification (germline): Uncertain significance (1 of 4 stars; one submission).

Submission:

Women's Health and Genetics/Laboratory Corporation of America, LabCorp
Classification: Uncertain significance. Last evaluated: 2025-10-22. Review status: criteria provided, single submitter. Criteria: LabCorp Variant Classification Summary - May 2015. Collection method: clinical testing. Allele origin: germline.
Comment: Variant summary: LYST c.9315G>A (p.Lys3105Lys) alters a conserved nucleotide located close to a canonical splice site and therefore could affect mRNA splicing, leading to a significantly altered protein sequence. Several computational tools predict a significant impact on normal splicing: Three predict the variant weakens a 5' donor site and one predicts the variant abolishes a 5' splicing donor site. However, these predictions have yet to be confirmed by functional studies. The variant was absent in 251134 control chromosomes. The available data on variant occurrences in the general population are insufficient to allow any conclusion about variant significance. To our knowledge, no occurrence of c.9315G>A in individuals affected with LYST-related conditions and no experimental evidence demonstrating its impact on protein function have been reported. No submitters have cited clinical-significance assessments for this variant to ClinVar. Based on the evidence outlined above, the variant was classified as uncertain significance.